The following is an entry in ClinVar:

NM_001009994.3(RIPPLY2):c.19G>A (p.Ala7Thr)

Genes: RIPPLY2 (ripply transcriptional repressor 2; plus strand), RIPPLY2-CYB5R4 (RIPPLY2-CYB5R4 readthrough; plus strand). Cytogenetic location: 6q14.2.
Variant type: single nucleotide variant.
Coding change: c.19G>A on transcript NM_001009994.3 (MANE Select); coding-DNA position 19, G replaced by A.
Protein change: p.Ala7Thr; replaces alanine 7 with threonine.
Molecular consequence: missense variant. On other transcripts: non-coding transcript variant (1).
Genome position (GRCh38, 1-based): chr6:83,853,435, G>A. VCF-style: chr6-83853435-G-A. GRCh37 (hg19) VCF-style: chr6-84563154-G-A.
Other names: c.19G>A, p.Ala7Thr (NM_001400900.1); short protein forms A7T.
Identifiers: ClinVar variation 4701304 (VCV004701304.1).
Genomic context (GRCh38, chr6:83,853,435, plus strand): 5'-CCCGCGAGCTGGCAGCGGCCTTCCGCCCAGCTCTGCGGCGTCATGGAGAACGCGGGAGGC[G>A]CAGAGGGTACAGAGAGTGGAGCTGCGGCGTGCGCGGCCACCGACGGCCCTACGCGGCGCG-3'
Protein context (NP_001009994.1, residues 1-17): MENAGG[Ala7Thr]EGTESGAAAC

ClinVar aggregate classification (germline): Uncertain significance (1 of 4 stars; one submission).

Submission:

Labcorp Genetics (formerly Invitae), Labcorp
Classification: Uncertain significance. Last evaluated: 2025-04-12. Review status: criteria provided, single submitter. Criteria: Invitae Variant Classification Sherloc (09022015). Collection method: clinical testing. Allele origin: germline.
Comment: This sequence change replaces alanine, which is neutral and non-polar, with threonine, which is neutral and polar, at codon 7 of the RIPPLY2 protein (p.Ala7Thr). This variant is not present in population databases (gnomAD no frequency). This variant has not been reported in the literature in individuals affected with RIPPLY2-related conditions. An algorithm developed to predict the effect of missense changes on protein structure and function outputs the following: PolyPhen-2: "Not Available". The threonine amino acid residue is found in multiple mammalian species, which suggests that this missense change does not adversely affect protein function. In summary, the available evidence is currently insufficient to determine the role of this variant in disease. Therefore, it has been classified as a Variant of Uncertain Significance.